The following is an entry in ClinVar:

NM_032447.5(FBN3):c.6160G>A (p.Glu2054Lys)

Gene: FBN3 (fibrillin 3; minus strand). Cytogenetic location: 19p13.2.
Variant type: single nucleotide variant.
Coding change: c.6160G>A on transcript NM_032447.5 (MANE Select); coding-DNA position 6160, G replaced by A.
Protein change: p.Glu2054Lys; replaces glutamic acid 2054 with lysine.
Molecular consequence: missense variant.
Genome position (GRCh38, 1-based): chr19:8,090,123, C>T on the plus strand (G>A on the coding strand, the complement: FBN3 is on the minus strand). VCF-style: chr19-8090123-C-T. GRCh37 (hg19) VCF-style: chr19-8155007-C-T.
Other names: c.6160G>A, p.Glu2054Lys (NM_001321431.2); short protein forms E2054K.
Identifiers: ClinVar variation 3513676 (VCV003513676.3).
Genomic context (GRCh38, chr19:8,090,123, plus strand): 5'-ATCATCCAGGGAGCCTGGACAGGGGTGGGCACTCACCGCTGCCCTCCTGGGGACACAGTT[C>T]GCAGGGGTCTCCCCAGCCCTCCCCAGGCCTCTTACTGCAGCAGCAGCGGGTCTTGGTGGT-3'
Protein context (NP_115823.3, residues 2044-2064): RPGEGWGDPC[Glu2054Lys]LCPQEGSAAF

ClinVar aggregate classification (germline): Uncertain significance. Review status: criteria provided, multiple submitters, no conflicts (2 of 4 stars). 2 submissions from 2 submitters: Uncertain significance (2). Last evaluated 2024-10-28.

Submissions (2):

Ambry Genetics
Classification: Uncertain significance. Last evaluated: 2024-10-28. Review status: criteria provided, single submitter. Criteria: Ambry Variant Classification Scheme 2023. Collection method: clinical testing. Allele origin: germline.

Labcorp Genetics (formerly Invitae), Labcorp
Classification: Uncertain significance. Last evaluated: 2024-10-24. Review status: criteria provided, single submitter. Criteria: Invitae Variant Classification Sherloc (09022015). Collection method: clinical testing. Allele origin: germline.
Comment: This sequence change replaces glutamic acid, which is acidic and polar, with lysine, which is basic and polar, at codon 2054 of the FBN3 protein (p.Glu2054Lys). This variant is present in population databases (rs149936210, gnomAD 0.003%). This variant has not been reported in the literature in individuals affected with FBN3-related conditions. Invitae Evidence Modeling of protein sequence and biophysical properties (such as structural, functional, and spatial information, amino acid conservation, physicochemical variation, residue mobility, and thermodynamic stability) has been performed for this missense variant. However, the output from this modeling did not meet the statistical confidence thresholds required to predict the impact of this variant on FBN3 protein function. In summary, the available evidence is currently insufficient to determine the role of this variant in disease. Therefore, it has been classified as a Variant of Uncertain Significance.